The following is an entry in ClinVar:

NM_001166108.2(PALLD):c.494A>G (p.Gln165Arg)

Gene: PALLD (palladin, cytoskeletal associated protein; plus strand). Cytogenetic location: 4q32.3.
Variant type: single nucleotide variant.
Coding change: c.494A>G on transcript NM_001166108.2 (MANE Select); coding-DNA position 494, A replaced by G.
Protein change: p.Gln165Arg; replaces glutamine 165 with arginine.
Molecular consequence: missense variant.
Genome position (GRCh38, 1-based): chr4:168,511,998, A>G. VCF-style: chr4-168511998-A-G. GRCh37 (hg19) VCF-style: chr4-169433149-A-G.
Other names: c.494A>G, p.Gln165Arg (NM_016081.4); short protein forms Q165R.
Identifiers: ClinVar variation 2625544 (VCV002625544.2), dbSNP rs2531433263, ClinGen allele CA358726147.

ClinVar aggregate classification (germline): Uncertain significance (1 of 4 stars; one submission).

Submission:

Ambry Genetics
Classification: Uncertain significance. Last evaluated: 2023-06-25. Review status: criteria provided, single submitter. Criteria: Ambry Variant Classification Scheme 2023. Collection method: clinical testing. Allele origin: germline.
Comment: The p.Q165R variant (also known as c.494A>G), located in coding exon 1 of the PALLD gene, results from an A to G substitution at nucleotide position 494. The glutamine at codon 165 is replaced by arginine, an amino acid with highly similar properties. This amino acid position is conserved. In addition, this alteration is predicted to be tolerated by in silico analysis. Since supporting evidence is limited at this time, the clinical significance of this alteration remains unclear.